The following is an entry in ClinVar:

ClinVar aggregate classification (germline): Conflicting classifications of pathogenicity. Review status: criteria provided, conflicting classifications (1 of 4 stars). 2 submissions from 2 submitters: Uncertain significance (1); Likely benign (1). Last evaluated 2024-02-19.

Conditions:
Hereditary cancer-predisposing syndrome. Also called: Tumor predisposition; Hereditary neoplastic syndrome; Neoplastic Syndromes, Hereditary; Hereditary Cancer Syndrome. Identifiers: Orphanet 140162, MedGen C0027672, MeSH D009386, MONDO:0015356.
Tuberous sclerosis 1 (TSC1). Identifiers: Orphanet 805, MedGen C1854465, MONDO:0008612, OMIM 191100.

Allele frequency attached by ClinVar (database versions not stated): gnomAD exomes below 0.00001.
gnomAD v4.1: 1 of 1,614,218 alleles (0.000062%); highest among the groups gnomAD compares: Non-Finnish European, 0.000085%; no homozygotes.

Submissions (2):

Ambry Genetics
Classification: Likely benign for Hereditary cancer-predisposing syndrome. Last evaluated: 2024-02-19. Review status: criteria provided, single submitter. Criteria: Ambry Variant Classification Scheme 2023. Collection method: clinical testing. Allele origin: germline.

Labcorp Genetics (formerly Invitae), Labcorp
Classification: Uncertain significance for Tuberous sclerosis 1. Last evaluated: 2020-11-06. Review status: criteria provided, single submitter. Criteria: Invitae Variant Classification Sherloc (09022015). Collection method: clinical testing. Allele origin: germline.
Comment: In summary, the available evidence is currently insufficient to determine the role of this variant in disease. Therefore, it has been classified as a Variant of Uncertain Significance. Algorithms developed to predict the effect of missense changes on protein structure and function output the following: SIFT: "Tolerated"; PolyPhen-2: "Benign"; Align-GVGD: "Class C0". The leucine amino acid residue is found in multiple mammalian species, suggesting that this missense change does not adversely affect protein function. These predictions have not been confirmed by published functional studies and their clinical significance is uncertain. This variant has not been reported in the literature in individuals with TSC1-related conditions. This variant is not present in population databases (ExAC no frequency). This sequence change replaces valine with leucine at codon 1127 of the TSC1 protein (p.Val1127Leu). The valine residue is weakly conserved and there is a small physicochemical difference between valine and leucine.

NM_000368.5(TSC1):c.3379G>T (p.Val1127Leu)

Gene: TSC1 (TSC complex subunit 1; minus strand). Cytogenetic location: 9q34.13.
Variant type: single nucleotide variant.
Coding change: c.3379G>T on transcript NM_000368.5 (MANE Select); coding-DNA position 3379, G replaced by T.
Protein change: p.Val1127Leu; replaces valine 1127 with leucine.
Molecular consequence: missense variant.
Genome position (GRCh38, 1-based): chr9:132,896,351, C>A on the plus strand (G>T on the coding strand, the complement: TSC1 is on the minus strand). VCF-style: chr9-132896351-C-A. GRCh37 (hg19) VCF-style: chr9-135771738-C-A.
Other names: c.3376G>T, p.Val1126Leu (NM_001162426.2); c.3226G>T, p.Val1076Leu (NM_001162427.2); c.3016G>T, p.Val1006Leu (NM_001362177.2); short protein forms V1126L, V1076L, V1006L, V1127L.
Identifiers: ClinVar variation 1497174 (VCV001497174.8), dbSNP rs1845037495, ClinGen allele CA375366493.